The following is an entry in ClinVar:

NM_018036.7(ATG2B):c.462T>C (p.Ala154=)

Gene: ATG2B (autophagy related 2B; minus strand). Cytogenetic location: 14q32.2.
Variant type: single nucleotide variant.
Coding change: c.462T>C on transcript NM_018036.7 (MANE Select); coding-DNA position 462, T replaced by C.
Protein change: p.Ala154=; no amino-acid change (alanine 154 retained).
Molecular consequence: synonymous variant.
Genome position (GRCh38, 1-based): chr14:96,345,249, A>G on the plus strand (T>C on the coding strand, the complement: ATG2B is on the minus strand). VCF-style: chr14-96345249-A-G. GRCh37 (hg19) VCF-style: chr14-96811586-A-G.
Identifiers: ClinVar variation 789065 (VCV000789065.8), dbSNP rs61740267, ClinGen allele CA7337038.
Genomic context (GRCh38, chr14:96,345,249, plus strand): 5'-CTAAATCAAATCTAAATTTTTGAAAATTCTCAGTAACACCAAACCTGTTTCAATGGTTTC[A>G]GCAAACTTTTCAAGTCCTTCAAAAGGCTGGGATCCTTCTCCTTGTTCATCTGTTAGTTTC-3'
Protein context (NP_060506.6, residues 144-164): SQPFEGLEKF[Ala154=]ETIETVLRRV

ClinVar aggregate classification (germline): Benign. Review status: criteria provided, multiple submitters, no conflicts (2 of 4 stars). 4 submissions from 4 submitters: Benign (2). 2 of the submissions do not count toward it. Last evaluated 2018-04-16.

Conditions:
ATG2B-related disorder. Also called: ATG2B-related condition.

Allele frequency attached by ClinVar (database versions not stated): gnomAD exomes 0.00054 and 0.00144; ExAC 0.00175; 1000 Genomes Project 30x 0.00484; 1000 Genomes Project 0.00499; ESP Exome Variant Server 0.00600; gnomAD 0.00639 and 0.00687; TOPMed 0.00710.
gnomAD v4.1: 1,774 of 1,611,116 alleles (0.11%); highest among the groups gnomAD compares: African/African-American, 2.2%; 20 homozygotes.

Submissions (4):

Labcorp Genetics (formerly Invitae), Labcorp
Classification: Benign. Last evaluated: 2018-04-16. Review status: criteria provided, single submitter. Criteria: Invitae Variant Classification Sherloc (09022015). Collection method: clinical testing. Allele origin: germline.

Breakthrough Genomics
Classification: Benign. Review status: criteria provided, single submitter. Criteria: ACMG Guidelines, 2015. Collection method: not provided. Allele origin: germline. Inheritance: Unknown mechanism. Affected: yes.

Genetic Services Laboratory, University of Chicago
Classification: Benign. Last evaluated: 2022-05-23. Review status: no assertion criteria provided. Collection method: clinical testing. Allele origin: germline. Affected: no. Not counted in ClinVar's aggregate classification.

PreventionGenetics, part of Exact Sciences
Classification: Benign for ATG2B-related condition. Last evaluated: 2019-06-06. Review status: no assertion criteria provided. Collection method: clinical testing. Allele origin: germline. Not counted in ClinVar's aggregate classification.
Comment: This variant is classified as benign based on ACMG/AMP sequence variant interpretation guidelines (Richards et al. 2015 PMID: 25741868, with internal and published modifications).